The following is an entry in ClinVar:

ClinVar aggregate classification (germline): Uncertain significance. Review status: criteria provided, multiple submitters, no conflicts (2 of 4 stars). 2 submissions from 2 submitters: Uncertain significance (2). Last evaluated 2024-01-19.

Allele frequency attached by ClinVar (database versions not stated): gnomAD 0.00001; gnomAD exomes 0.00001; TOPMed 0.00003; ExAC 0.00004; ESP Exome Variant Server 0.00008.
gnomAD v4.1: 16 of 1,598,114 alleles (0.001%); highest among the groups gnomAD compares: African/African-American, 0.004%; no homozygotes.

Submissions (2):

Ambry Genetics
Classification: Uncertain significance. Last evaluated: 2024-01-19. Review status: criteria provided, single submitter. Criteria: Ambry Variant Classification Scheme 2023. Collection method: clinical testing. Allele origin: germline.

Labcorp Genetics (formerly Invitae), Labcorp
Classification: Uncertain significance. Last evaluated: 2023-07-17. Review status: criteria provided, single submitter. Criteria: Invitae Variant Classification Sherloc (09022015). Collection method: clinical testing. Allele origin: germline.
Comment: The frequency data for this variant in the population databases is considered unreliable, as metrics indicate poor data quality at this position in the gnomAD database. In summary, the available evidence is currently insufficient to determine the role of this variant in disease. Therefore, it has been classified as a Variant of Uncertain Significance. An algorithm developed to predict the effect of missense changes on protein structure and function (PolyPhen-2) suggests that this variant is likely to be disruptive. ClinVar contains an entry for this variant (Variation ID: 1920741). This variant has not been reported in the literature in individuals affected with FSCN2-related conditions. This sequence change replaces glycine, which is neutral and non-polar, with serine, which is neutral and polar, at codon 226 of the FSCN2 protein (p.Gly226Ser).

NM_012418.4(FSCN2):c.676G>A (p.Gly226Ser)

Gene: FSCN2 (fascin actin-bundling protein 2, retinal; plus strand). Cytogenetic location: 17q25.3.
Variant type: single nucleotide variant.
Coding change: c.676G>A on transcript NM_012418.4 (MANE Select); coding-DNA position 676, G replaced by A.
Protein change: p.Gly226Ser; replaces glycine 226 with serine.
Molecular consequence: missense variant.
Genome position (GRCh38, 1-based): chr17:81,529,207, G>A. VCF-style: chr17-81529207-G-A. GRCh37 (hg19) VCF-style: chr17-79496233-G-A.
Other names: c.676G>A, p.Gly226Ser (NM_001077182.3); c.676G>A (NM_001077182.2); short protein forms G226S.
Identifiers: ClinVar variation 1920741 (VCV001920741.6), dbSNP rs372923979, ClinGen allele CA8836752.
Genomic context (GRCh38, chr17:81,529,207, plus strand): 5'-CCCCGTGCCTGCTACACGCTGGAGTTCAAGGCGGGCAAGCTGGCCTTCAAGGACTGCGAC[G>A]GCCACTACCTGGCACCCGTGGGGCCCGCAGGCACCCTCAAGGCCGGCCGAAACACGCGAC-3'
Protein context (NP_036550.1, residues 216-236): AGKLAFKDCD[Gly226Ser]HYLAPVGPAG